The following is an entry in ClinVar:

NM_004371.4(COPA):c.2087G>A (p.Arg696His)

Gene: COPA (coat protein complex I subunit alpha; minus strand). Cytogenetic location: 1q23.2.
Variant type: single nucleotide variant.
Coding change: c.2087G>A on transcript NM_004371.4 (MANE Select); coding-DNA position 2087, G replaced by A.
Protein change: p.Arg696His; replaces arginine 696 with histidine.
Molecular consequence: missense variant.
Genome position (GRCh38, 1-based): chr1:160,297,636, C>T on the plus strand (G>A on the coding strand, the complement: COPA is on the minus strand). VCF-style: chr1-160297636-C-T. GRCh37 (hg19) VCF-style: chr1-160267426-C-T.
Other names: c.2114G>A, p.Arg705His (NM_001098398.2); short protein forms R696H, R705H.
Identifiers: ClinVar variation 3628333 (VCV003628333.3).

ClinVar aggregate classification (germline): Uncertain significance. Review status: criteria provided, multiple submitters, no conflicts (2 of 4 stars). 2 submissions from 2 submitters: Uncertain significance (2). Last evaluated 2024-05-02.

Conditions:
Autoimmune interstitial lung disease-arthritis syndrome. Also called: Autoinflammation and autoimmunity, systemic, with immune dysregulation. Identifiers: Orphanet 444092, MedGen C5975714, MONDO:0014629.

gnomAD v4.1: 18 of 1,614,008 alleles (0.0011%); highest among the groups gnomAD compares: East Asian, 0.0045%; no homozygotes.

Submissions (2):

Labcorp Genetics (formerly Invitae), Labcorp
Classification: Uncertain significance for Autoimmune interstitial lung disease-arthritis syndrome. Last evaluated: 2024-05-02. Review status: criteria provided, single submitter. Criteria: Invitae Variant Classification Sherloc (09022015). Collection method: clinical testing. Allele origin: germline.
Comment: This sequence change replaces arginine, which is basic and polar, with histidine, which is basic and polar, at codon 696 of the COPA protein (p.Arg696His). This variant is present in population databases (rs373887625, gnomAD 0.006%). This variant has not been reported in the literature in individuals affected with COPA-related conditions. Advanced modeling of protein sequence and biophysical properties (such as structural, functional, and spatial information, amino acid conservation, physicochemical variation, residue mobility, and thermodynamic stability) performed at Invitae indicates that this missense variant is expected to disrupt COPA protein function with a positive predictive value of 80%. In summary, the available evidence is currently insufficient to determine the role of this variant in disease. Therefore, it has been classified as a Variant of Uncertain Significance.

Blueprint Genetics
Classification: Uncertain significance. Last evaluated: 2022-07-05. Review status: criteria provided, single submitter. Criteria: ACMG Guidelines, 2015. Collection method: clinical testing. Allele origin: germline.